The following is an entry in ClinVar:

ClinVar aggregate classification (germline): Benign. Review status: criteria provided, multiple submitters, no conflicts (2 of 4 stars). 5 submissions from 5 submitters: Benign (5). Last evaluated 2026-02-01.

Conditions:
STT3A-congenital disorder of glycosylation. Also called: CONGENITAL DISORDER OF GLYCOSYLATION, TYPE Iw, AUTOSOMAL RECESSIVE; STT3A-CDG; Congenital disorder of glycosylation type 1w. Identifiers: Orphanet 370921, MedGen C5561935, MONDO:0014270, OMIM 615596.

Allele frequency attached by ClinVar (database versions not stated): gnomAD exomes 0.36014 and 0.36055; ExAC 0.36940; gnomAD 0.39432 and 0.39463; ESP Exome Variant Server 0.41269; 1000 Genomes Project 0.41933; 1000 Genomes Project 30x 0.42021; TOPMed 0.39397.

Submissions (5):

Labcorp Genetics (formerly Invitae), Labcorp
Classification: Benign. Last evaluated: 2026-02-01. Review status: criteria provided, single submitter. Criteria: Invitae Variant Classification Sherloc (09022015). Collection method: clinical testing. Allele origin: germline.

Genome-Nilou Lab
Classification: Benign for STT3A-congenital disorder of glycosylation. Last evaluated: 2021-07-15. Review status: criteria provided, single submitter. Criteria: ACMG Guidelines, 2015. Collection method: clinical testing. Allele origin: germline. Affected: no.

Mayo Clinic Laboratories, Mayo Clinic
Classification: Benign. Last evaluated: 2017-12-21. Review status: criteria provided, single submitter. Criteria: ACMG Guidelines, 2015. Collection method: clinical testing. Allele origin: germline. Observed: 26 variant alleles.

GeneDx
Classification: Benign. Last evaluated: 2015-12-02. Review status: criteria provided, single submitter. Criteria: GeneDx Variant Classification (06012015). Collection method: clinical testing. Allele origin: germline. Affected: yes.
Comment: This variant is considered likely benign or benign based on one or more of the following criteria: it is a conservative change, it occurs at a poorly conserved position in the protein, it is predicted to be benign by multiple in silico algorithms, and/or has population frequency not consistent with disease.

Breakthrough Genomics
Classification: Benign. Review status: criteria provided, single submitter. Criteria: ACMG Guidelines, 2015. Collection method: not provided. Allele origin: germline. Inheritance: Autosomal recessive inheritance. Affected: yes.

NM_152713.5(STT3A):c.996G>A (p.Ser332=)

Gene: STT3A (STT3 oligosaccharyltransferase complex catalytic subunit A; plus strand). Cytogenetic location: 11q24.2.
Variant type: single nucleotide variant.
Coding change: c.996G>A on transcript NM_152713.5 (MANE Select); coding-DNA position 996, G replaced by A.
Protein change: p.Ser332=; no amino-acid change (serine 332 retained).
Molecular consequence: synonymous variant.
Genome position (GRCh38, 1-based): chr11:125,609,468, G>A. VCF-style: chr11-125609468-G-A. GRCh37 (hg19) VCF-style: chr11-125479363-G-A.
Other names: p.Ser332=; c.996G>A, p.Ser332= (NM_001278503.2); c.720G>A, p.Ser240= (NM_001278504.2).
Identifiers: ClinVar variation 380015 (VCV000380015.14), dbSNP rs2241502, ClinGen allele CA6348984.
Genomic context (GRCh38, chr11:125,609,468, plus strand): 5'-AATATTTATTGCCTCTTTGCTGCTAGGAAAAATATCTCCCTGGACGGGGCGTTTCTACTC[G>A]CTGCTGGATCCCTCTTATGCTAAGAACAACATCCCCATCATTGCTTCTGTGTCTGAGCAT-3'
Protein context (NP_689926.1, residues 322-342): KISPWTGRFY[Ser332=]LLDPSYAKNN